The following is an entry in ClinVar:

NM_001776.6(ENTPD1):c.1289C>T (p.Thr430Ile)

Genes: ENTPD1 (ectonucleoside triphosphate diphosphohydrolase 1; plus strand), ENTPD1-AS1 (ENTPD1 antisense RNA 1; minus strand). Cytogenetic location: 10q24.1.
Variant type: single nucleotide variant.
Coding change: c.1289C>T on transcript NM_001776.6 (MANE Select); coding-DNA position 1289, C replaced by T.
Protein change: p.Thr430Ile; replaces threonine 430 with isoleucine.
Molecular consequence: missense variant.
Genome position (GRCh38, 1-based): chr10:95,864,824, C>T. VCF-style: chr10-95864824-C-T. GRCh37 (hg19) VCF-style: chr10-97624581-C-T.
Other names: c.1310C>T, p.Thr437Ile (NM_001098175.2); c.1325C>T, p.Thr442Ile (NM_001164178.1, NM_001320916.1); c.1166C>T, p.Thr389Ile (NM_001164179.2); c.965C>T, p.Thr322Ile (NM_001164181.1, NM_001312654.1); c.875C>T, p.Thr292Ile (NM_001164182.2, NM_001164183.2); short protein forms T292I, T322I, T389I, T430I, T437I, T442I.
Identifiers: ClinVar variation 1344314 (VCV001344314.10), dbSNP rs758827298, ClinGen allele CA5621604.
Genomic context (GRCh38, chr10:95,864,824, plus strand): 5'-GTGAATACTGCTTTTCTGGTACCTACATTCTCTCCCTCCTTCTGCAAGGCTATCATTTCA[C>T]AGCTGATTCCTGGGAGCACATCCATTTCATTGGCAAGGTAATTTGGGGGCCTGTTGGGCT-3'
Protein context (NP_001767.3, residues 420-440): LSLLLQGYHF[Thr430Ile]ADSWEHIHFI

ClinVar aggregate classification (germline): Uncertain significance. Review status: criteria provided, multiple submitters, no conflicts (2 of 4 stars). 3 submissions from 3 submitters: Uncertain significance (3). Last evaluated 2025-03-05.

Conditions:
Inborn genetic diseases. Identifiers: MedGen C0950123, MeSH D030342.
Hereditary spastic paraplegia 64. Also called: Spastic paraplegia 64, autosomal recessive; ENTPD1-Related Neurodevelopmental Disorder. Identifiers: Orphanet 401810, MedGen C3810289, MONDO:0014303, OMIM 615683.
Hereditary spastic paraplegia. Also called: Familial spastic paraparesis. Identifiers: Orphanet 685, MedGen C0037773, MONDO:0019064. Disease mechanism: loss of function.

Allele frequency attached by ClinVar (database versions not stated): gnomAD 0.00001; gnomAD exomes 0.00001; ExAC 0.00002; TOPMed 0.00002.

Submissions (3):

Ambry Genetics
Classification: Uncertain significance for Inborn genetic diseases. Last evaluated: 2025-03-05. Review status: criteria provided, single submitter. Criteria: Ambry Variant Classification Scheme 2023. Collection method: clinical testing. Allele origin: germline.

Labcorp Genetics (formerly Invitae), Labcorp
Classification: Uncertain significance for Hereditary spastic paraplegia 64. Last evaluated: 2021-11-19. Review status: criteria provided, single submitter. Criteria: Invitae Variant Classification Sherloc (09022015). Collection method: clinical testing. Allele origin: germline.
Comment: In summary, the available evidence is currently insufficient to determine the role of this variant in disease. Therefore, it has been classified as a Variant of Uncertain Significance. Algorithms developed to predict the effect of missense changes on protein structure and function are either unavailable or do not agree on the potential impact of this missense change (SIFT: "Deleterious"; PolyPhen-2: "Possibly Damaging"; Align-GVGD: "Class C0"). This variant has not been reported in the literature in individuals affected with ENTPD1-related conditions. This variant is present in population databases (rs758827298, gnomAD 0.007%). This sequence change replaces threonine, which is neutral and polar, with isoleucine, which is neutral and non-polar, at codon 430 of the ENTPD1 protein (p.Thr430Ile).

Genome Diagnostics Laboratory, The Hospital for Sick Children
Classification: Uncertain significance for Hereditary spastic paraplegia. Last evaluated: 2018-05-01. Review status: criteria provided, single submitter. Criteria: ACMG Guidelines, 2015. Collection method: clinical testing. Allele origin: germline. Affected: yes.